The following is an entry in ClinVar:

ClinVar aggregate classification (germline): Likely benign (0 of 4 stars; one submission).

Conditions:
RECQL5-related disorder. Also called: RECQL5-related condition.

gnomAD v4.1: 3 of 1,613,726 alleles (0.00019%); highest among the groups gnomAD compares: Non-Finnish European, 0.00025%; no homozygotes.

Submission:

PreventionGenetics, part of Exact Sciences
Classification: Likely benign for RECQL5-related condition. Last evaluated: 2024-06-21. Review status: no assertion criteria provided. Collection method: clinical testing. Allele origin: germline.
Comment: This variant is classified as likely benign based on ACMG/AMP sequence variant interpretation guidelines (Richards et al. 2015 PMID: 25741868, with internal and published modifications).

NM_004259.7(RECQL5):c.1473C>T (p.Ser491=)

Gene: RECQL5 (RecQ like helicase 5; minus strand). Cytogenetic location: 17q25.1.
Variant type: single nucleotide variant.
Coding change: c.1473C>T on transcript NM_004259.7 (MANE Select); coding-DNA position 1473, C replaced by T.
Protein change: p.Ser491=; no amino-acid change (serine 491 retained).
Molecular consequence: synonymous variant.
Genome position (GRCh38, 1-based): chr17:75,631,225, G>A on the plus strand (C>T on the coding strand, the complement: RECQL5 is on the minus strand). VCF-style: chr17-75631225-G-A. GRCh37 (hg19) VCF-style: chr17-73627305-G-A.
Identifiers: ClinVar variation 3356104 (VCV003356104.1).